The following is an entry in ClinVar:

ClinVar aggregate classification (germline): Uncertain significance (1 of 4 stars; one submission).

Conditions:
KIDINS220-related disorder. Also called: KIDINS220-related condition.

gnomAD v4.1: 3 of 1,614,224 alleles (0.00019%); highest among the groups gnomAD compares: Non-Finnish European, 0.00025%; no homozygotes.

Submission:

PreventionGenetics, part of Exact Sciences
Classification: Uncertain significance for KIDINS220-related condition. Last evaluated: 2026-02-25. Review status: criteria provided, single submitter. Criteria: ACMG Guidelines, 2015. Collection method: clinical testing. Allele origin: germline.
Comment: The KIDINS220 c.5063A>G variant is predicted to result in the amino acid substitution p.Asn1688Ser. To our knowledge, this variant has not been reported in the literature or in a large population database (gnomAD), indicating this variant is rare. At this time, the clinical significance of this variant is uncertain due to the absence of conclusive functional and genetic evidence.

NM_020738.4(KIDINS220):c.5063A>G (p.Asn1688Ser)

Gene: KIDINS220 (kinase D interacting substrate 220; minus strand). Cytogenetic location: 2p25.1.
Variant type: single nucleotide variant.
Coding change: c.5063A>G on transcript NM_020738.4 (MANE Select); coding-DNA position 5063, A replaced by G.
Protein change: p.Asn1688Ser; replaces asparagine 1688 with serine.
Molecular consequence: missense variant. On other transcripts: intron variant (6).
Genome position (GRCh38, 1-based): chr2:8,730,973, T>C on the plus strand (A>G on the coding strand, the complement: KIDINS220 is on the minus strand). VCF-style: chr2-8730973-T-C. GRCh37 (hg19) VCF-style: chr2-8871103-T-C.
Other names: c.5066A>G, p.Asn1689Ser (NM_001348729.2); c.5009A>G, p.Asn1670Ser (NM_001348731.2); c.5006A>G, p.Asn1669Ser (NM_001348732.2); c.4895A>G, p.Asn1632Ser (NM_001348734.2); c.4892A>G, p.Asn1631Ser (NM_001348735.2); c.4766A>G, p.Asn1589Ser (NM_001348736.2); c.3882+2471A>G (NM_001348741.2, NM_001348742.2, NM_001348743.2); c.3996+2471A>G (NM_001348738.2); and 1 more; short protein forms N1669S, N1670S, N1631S, N1632S, N1589S, N1688S, N1689S.
Identifiers: ClinVar variation 4984296 (VCV004984296.1).